The following is an entry in ClinVar:

NM_001379500.1(COL18A1):c.-6del

Genes: BNAT1 (breast cancer associated ESR1 regulating natural antisense transcript 1; minus strand), COL18A1 (collagen type XVIII alpha 1 chain; plus strand). Cytogenetic location: 21q22.3.
Variant type: Deletion.
Coding change: c.-6del on transcript NM_001379500.1 (MANE Select); 6 bases upstream of the start codon, one base deleted (G; older notation c.-6delG).
Molecular consequence: 5 prime UTR variant.
Genome position (GRCh38, 1-based): chr21:45,405,225, G deleted; the last of 4 consecutive G bases (chr21:45,405,222-45,405,225); deleting any one gives the same sequence. VCF-style (leftmost placement, unchanged base first): chr21-45405221-TG-T. GRCh37 (hg19) VCF-style: chr21-46825136-TG-T.
Identifiers: ClinVar variation 2652790 (VCV002652790.25), dbSNP rs763620362, ClinGen allele CA10065172.
Genomic context (GRCh38, chr21:45,405,221, plus strand): 5'-CGGCGGTCCGAGCGGGTGCACCGCGGCGGAGGAGGCAGCATCCCGCGGCGCTGACGGTCC[TG>T]GGGAGAGCATGGCGCCGAGGTGAGGCCGGGGCTGCGGGCAGGGGTTGGGGGACGCCAAGA-3'

ClinVar aggregate classification (germline): Likely benign. Review status: criteria provided, multiple submitters, no conflicts (2 of 4 stars). 2 submissions from 2 submitters: Likely benign (2). Last evaluated 2026-02-01.

Submissions (2):

CeGaT Center for Human Genetics Tuebingen
Classification: Likely benign. Last evaluated: 2026-02-01. Review status: criteria provided, single submitter. Criteria: CeGaT Center For Human Genetics Tuebingen Variant Classification Criteria Version 2. Collection method: clinical testing. Allele origin: germline. Affected: yes. Observed: 2 variant alleles.
Comment: COL18A1: BP4

Blueprint Genetics
Classification: Likely benign. Last evaluated: 2024-09-24. Review status: criteria provided, single submitter. Criteria: ACMG Guidelines, 2015. Collection method: clinical testing. Allele origin: germline.